The following is an entry in ClinVar:

NM_001134363.3(RBM20):c.1531G>T (p.Ala511Ser)

Gene: RBM20 (RNA binding motif protein 20; plus strand). Cytogenetic location: 10q25.2.
Variant type: single nucleotide variant.
Coding change: c.1531G>T on transcript NM_001134363.3 (MANE Select); coding-DNA position 1531, G replaced by T.
Protein change: p.Ala511Ser; replaces alanine 511 with serine.
Molecular consequence: missense variant.
Genome position (GRCh38, 1-based): chr10:110,797,511, G>T. VCF-style: chr10-110797511-G-T. GRCh37 (hg19) VCF-style: chr10-112557269-G-T.
Other names: short protein forms A511S.
Identifiers: ClinVar variation 3022131 (VCV003022131.3), dbSNP rs1195880030, ClinGen allele CA378389937.
Genomic context (GRCh38, chr10:110,797,511, plus strand): 5'-GAGAGGGGAAAAGGGAACCGTCTTCTGAATACCACTAATGATCTTTGTTCCCATTAGTTT[G>T]CACAGCGGAAAGGGGCTGGCCGTGTGGTGCACATCTGCAATCTCCCTGAAGGAAGCTGCA-3'
Protein context (NP_001127835.2, residues 501-521): FPLASVGTTF[Ala511Ser]QRKGAGRVVH

ClinVar aggregate classification (germline): Uncertain significance (1 of 4 stars; one submission).

Conditions:
Dilated cardiomyopathy 1DD (CMD1DD). Identifiers: Orphanet 154, MedGen C2750995, MONDO:0013168, OMIM 613172.

Allele frequency attached by ClinVar (database versions not stated): gnomAD exomes below 0.00001.
gnomAD v4.1: 2 of 1,550,594 alleles (0.00013%); highest among the groups gnomAD compares: Non-Finnish European, 0.00017%; no homozygotes.

Submission:

Labcorp Genetics (formerly Invitae), Labcorp
Classification: Uncertain significance for Dilated cardiomyopathy 1DD. Last evaluated: 2023-08-28. Review status: criteria provided, single submitter. Criteria: Invitae Variant Classification Sherloc (09022015). Collection method: clinical testing. Allele origin: germline.
Comment: In summary, the available evidence is currently insufficient to determine the role of this variant in disease. Therefore, it has been classified as a Variant of Uncertain Significance. Advanced modeling of protein sequence and biophysical properties (such as structural, functional, and spatial information, amino acid conservation, physicochemical variation, residue mobility, and thermodynamic stability) performed at Invitae indicates that this missense variant is not expected to disrupt RBM20 protein function. This variant has not been reported in the literature in individuals affected with RBM20-related conditions. This variant is not present in population databases (gnomAD no frequency). This sequence change replaces alanine, which is neutral and non-polar, with serine, which is neutral and polar, at codon 511 of the RBM20 protein (p.Ala511Ser).